The following is an entry in ClinVar:

ClinVar aggregate classification (germline): Pathogenic (1 of 4 stars; one submission).

Conditions:
Marfan syndrome (MFS). Also called: MARFAN SYNDROME, TYPE I; FBN1-Related Marfan Syndrome; Marfan syndrome type 1; Marfan's syndrome; Marfan syndrome, classic. Identifiers: Orphanet 284963, Orphanet 558, MedGen C0024796, MONDO:0007947, OMIM 154700.
Familial thoracic aortic aneurysm and aortic dissection (TAAD). Also called: Thoracic aortic aneurysms and dissections. Identifiers: Orphanet 91387, MedGen C4707243, MONDO:0019625.

Submission:

Labcorp Genetics (formerly Invitae), Labcorp
Classification: Pathogenic for Marfan syndrome; Familial thoracic aortic aneurysm and aortic dissection. Last evaluated: 2018-08-25. Review status: criteria provided, single submitter. Criteria: Invitae Variant Classification Sherloc (09022015). Collection method: clinical testing. Allele origin: germline.
Comment: A gross deletion of the genomic region encompassing the full coding sequence of the FBN1 gene has been identified. The boundaries of this event are unknown as the deletion extends beyond the assayed region for this gene and therefore may encompass additional genes. Gross deletions of the FBN1 gene have been reported been reported to segregate with Marfan syndrome in a single family (PMID: 21063442) and have also been reported in individuals affected with Marfan syndrome (PMID: 26787436). Loss-of-function variants in FBN1 are known to be pathogenic (PMID: Â¬â€ 17657824, 19293843). For these reasons, this variant has been classified as Pathogenic.

Literature cited by the submitters: PubMed 21063442; PubMed 26787436.

NC_000015.10:g.(?_48410970)_(48644789_?)del

Genes: FBN1 (fibrillin 1; minus strand), LOC113939944 (Sharpr-MPRA regulatory region 9539; plus strand), LOC125078076 (Sharpr-MPRA regulatory region 3576; plus strand), LOC126862124 (CDK7 strongly-dependent group 2 enhancer GRCh37_chr15:48764566-48765765; plus strand), LOC126862125 (CDK7 strongly-dependent group 2 enhancer GRCh37_chr15:48821930-48823129; plus strand) and 2 more. Cytogenetic location: 15q21.1.
Variant type: Deletion.
Identifiers: ClinVar variation 457152 (VCV000457152.2).